The following is an entry in ClinVar:

ClinVar aggregate classification (germline): Conflicting classifications of pathogenicity. Review status: criteria provided, conflicting classifications (1 of 4 stars). 10 submissions from 10 submitters: Uncertain significance (1); Benign (3); Likely benign (3). 3 of the submissions do not count toward it. Last evaluated 2026-04-27.

Conditions:
Inborn genetic diseases. Identifiers: MedGen C0950123, MeSH D030342.
Ehlers-Danlos syndrome (EDS). Identifiers: Orphanet 98249, MedGen C0013720, MONDO:0020066.
Menkes kinky-hair syndrome (MNK). Also called: Menkes Disease; Copper transport disease; Classic Menkes Disease. Identifiers: Orphanet 565, MedGen C0022716, MONDO:0010651, OMIM 309400.
Cutis laxa, X-linked (OHS). Also called: EDS IX; Occipital horn syndrome. Identifiers: Orphanet 198, MedGen C0268353, MONDO:0010572, OMIM 304150.
X-linked distal spinal muscular atrophy type 3. Also called: SPINAL MUSCULAR ATROPHY, DISTAL, X-LINKED RECESSIVE; ATP7A-Related Distal Motor Neuropathy; NEURONOPATHY, DISTAL HEREDITARY MOTOR, X-LINKED; NEUROPATHY, DISTAL HEREDITARY MOTOR, X-LINKED. Identifiers: Orphanet 139557, MedGen C1845359, MONDO:0010338, OMIM 300489.

Allele frequency attached by ClinVar (database versions not stated): TOPMed 0.00003; ESP Exome Variant Server 0.00009; gnomAD 0.00014 and 0.00001; gnomAD exomes 0.00030 and 0.00060; ExAC 0.00068; 1000 Genomes Project 0.00079; 1000 Genomes Project 30x 0.00104.
gnomAD v4.1: 347 of 1,208,082 alleles (0.029%); highest among the groups gnomAD compares: South Asian, 0.55%; 4 homozygotes.

Submissions (10):

Women's Health and Genetics/Laboratory Corporation of America, LabCorp
Classification: Benign. Last evaluated: 2026-04-27. Review status: criteria provided, single submitter. Criteria: LabCorp Variant Classification Summary - May 2015. Collection method: clinical testing. Allele origin: germline.
Comment: Variant summary: ATP7A c.4066C>T (p.Arg1356Trp) results in a non-conservative amino acid change in the encoded protein sequence. Algorithms developed to predict the effect of missense changes on protein structure and function all suggest that this variant is likely to be disruptive. The variant allele was found at a frequency of 0.0006 in 183268 control chromosomes, predominantly at a frequency of 0.0056 within the South Asian subpopulation in the gnomAD database, including 1 homozygotes. The observed variant frequency within South Asian control individuals in the gnomAD database exceeds the estimated maximal expected allele frequency for disease-causing variants in ATP7A. To our knowledge, no occurrence of c.4066C>T in individuals affected with ATP7A-related conditions and no experimental evidence demonstrating its impact on protein function have been reported. ClinVar contains an entry for this variant (Variation ID: 245774). Based on the evidence outlined above, the variant was classified as benign.

Labcorp Genetics (formerly Invitae), Labcorp
Classification: Benign for X-linked distal spinal muscular atrophy type 3; Cutis laxa, X-linked; Menkes kinky-hair syndrome. Last evaluated: 2025-12-30. Review status: criteria provided, single submitter. Criteria: Invitae Variant Classification Sherloc (09022015). Collection method: clinical testing. Allele origin: germline.

Blueprint Genetics
Classification: Likely benign. Last evaluated: 2024-04-05. Review status: criteria provided, single submitter. Criteria: ACMG Guidelines, 2015. Collection method: clinical testing. Allele origin: germline.

Genome Diagnostics Laboratory, The Hospital for Sick Children
Classification: Likely benign for Ehlers-Danlos syndrome. Last evaluated: 2022-03-17. Review status: criteria provided, single submitter. Criteria: ACMG Guidelines, 2015. Collection method: clinical testing. Allele origin: germline.

Ambry Genetics
Classification: Likely benign for Inborn genetic diseases. Last evaluated: 2021-03-27. Review status: criteria provided, single submitter. Criteria: Ambry Variant Classification Scheme 2023. Collection method: clinical testing. Allele origin: germline.

GeneDx
Classification: Benign. Last evaluated: 2020-10-21. Review status: criteria provided, single submitter. Criteria: GeneDx Variant Classification Process June 2021. Collection method: clinical testing. Allele origin: germline. Affected: yes.

Genomic Research Center, Shahid Beheshti University of Medical Sciences
Classification: Uncertain significance for Menkes kinky-hair syndrome. Last evaluated: 2019-01-01. Review status: criteria provided, single submitter. Criteria: ACMG Guidelines, 2015. Collection method: clinical testing. Allele origin: unknown. Affected: yes. Observed: 1 variant allele.

Natera, Inc.
Classification: Uncertain significance for Menkes kinky hair syndrome. Last evaluated: 2020-01-24. Review status: no assertion criteria provided. Collection method: clinical testing. Allele origin: germline. Not counted in ClinVar's aggregate classification.

Clinical Genetics DNA and cytogenetics Diagnostics Lab, Erasmus MC, Erasmus Medical Center
Classification: Likely benign. Review status: no assertion criteria provided. Collection method: clinical testing. Allele origin: germline. Affected: yes. Study: VKGL Data-share Consensus. Not counted in ClinVar's aggregate classification.

Laboratory of Diagnostic Genome Analysis, Leiden University Medical Center (LUMC)
Classification: Likely benign. Review status: no assertion criteria provided. Collection method: clinical testing. Allele origin: germline. Affected: yes. Study: VKGL Data-share Consensus. Not counted in ClinVar's aggregate classification.

NM_000052.7(ATP7A):c.4066C>T (p.Arg1356Trp)

Gene: ATP7A (ATPase copper transporting alpha; plus strand). Cytogenetic location: Xq21.1.
Variant type: single nucleotide variant.
Coding change: c.4066C>T on transcript NM_000052.7 (MANE Select); coding-DNA position 4066, C replaced by T.
Protein change: p.Arg1356Trp; replaces arginine 1356 with tryptophan.
Molecular consequence: missense variant. On other transcripts: non-coding transcript variant (1).
Genome position (GRCh38, 1-based): chrX:78,043,377, C>T. VCF-style: chrX-78043377-C-T. GRCh37 (hg19) VCF-style: chrX-77298875-C-T.
Other names: c.3832C>T, p.Arg1278Trp (NM_001282224.2); short protein forms R1356W, R1278W.
Identifiers: ClinVar variation 245774 (VCV000245774.27), dbSNP rs370736173, ClinGen allele CA10459496.